The following is an entry in ClinVar:

ClinVar aggregate classification (germline): Uncertain significance. Review status: criteria provided, multiple submitters, no conflicts (2 of 4 stars). 2 submissions from 2 submitters: Uncertain significance (2). Last evaluated 2023-03-22.

Conditions:
Hereditary cancer-predisposing syndrome. Also called: Hereditary Cancer Syndrome; Tumor predisposition; Hereditary neoplastic syndrome; Neoplastic Syndromes, Hereditary. Identifiers: Orphanet 140162, MedGen C0027672, MeSH D009386, MONDO:0015356.
Haddad syndrome (OHD). Also called: Ondine-Hirschsprung disease. Identifiers: Orphanet 99803, MedGen C1859049, MONDO:0020493.

Allele frequency attached by ClinVar (database versions not stated): gnomAD exomes below 0.00001; ExAC 0.00001.

Submissions (2):

Ambry Genetics
Classification: Uncertain significance for Hereditary cancer-predisposing syndrome. Last evaluated: 2023-03-22. Review status: criteria provided, single submitter. Criteria: Ambry Variant Classification Scheme 2023. Collection method: clinical testing. Allele origin: germline.
Comment: The p.A307S variant (also known as c.919G>T), located in coding exon 3 of the PHOX2B gene, results from a G to T substitution at nucleotide position 919. The alanine at codon 307 is replaced by serine, an amino acid with similar properties. This amino acid position is conserved. In addition, this alteration is predicted to be tolerated by in silico analysis. Since supporting evidence is limited at this time, the clinical significance of this alteration remains unclear.

Labcorp Genetics (formerly Invitae), Labcorp
Classification: Uncertain significance for Haddad syndrome. Last evaluated: 2020-06-21. Review status: criteria provided, single submitter. Criteria: Invitae Variant Classification Sherloc (09022015). Collection method: clinical testing. Allele origin: germline.
Comment: This sequence change replaces alanine with serine at codon 307 of the PHOX2B protein (p.Ala307Ser). The alanine residue is moderately conserved and there is a moderate physicochemical difference between alanine and serine. In summary, the available evidence is currently insufficient to determine the role of this variant in disease. Therefore, it has been classified as a Variant of Uncertain Significance. This variant has not been reported in the literature in individuals with PHOX2B-related conditions. This variant is present in population databases (rs780578509, ExAC 0.002%).

NM_003924.4(PHOX2B):c.919G>T (p.Ala307Ser)

Gene: PHOX2B (paired like homeobox 2B; minus strand). Cytogenetic location: 4p13.
Variant type: single nucleotide variant.
Coding change: c.919G>T on transcript NM_003924.4 (MANE Select); coding-DNA position 919, G replaced by T.
Protein change: p.Ala307Ser; replaces alanine 307 with serine.
Molecular consequence: missense variant.
Genome position (GRCh38, 1-based): chr4:41,745,833, C>A on the plus strand (G>T on the coding strand, the complement: PHOX2B is on the minus strand). VCF-style: chr4-41745833-C-A. GRCh37 (hg19) VCF-style: chr4-41747850-C-A.
Other names: c.919G>T (NM_003924.3); short protein forms A307S.
Identifiers: ClinVar variation 1046870 (VCV001046870.10), dbSNP rs780578509, ClinGen allele CA2901393.
Genomic context (GRCh38, chr4:41,745,833, plus strand): 5'-GTCGCCGCCGCCGCCGCCGCCGCAGGATTCCAGATCAGAACATACTGCTCTTCACTAAGG[C>A]GGCTTTGGCACCGTTGGGTCTTTGGAGCGAAGATAGGACGCTGGCGAAGGGACCCCCAAG-3'
Protein context (NP_003915.2, residues 297-314): SLQRPNGAKA[Ala307Ser]LVKSSMF